The following is an entry in ClinVar:

NM_001365276.2(TNXB):c.7793G>A (p.Arg2598His)

Gene: TNXB (tenascin XB; minus strand). Cytogenetic location: 6p21.33.
Variant type: single nucleotide variant.
Coding change: c.7793G>A on transcript NM_001365276.2 (MANE Select); coding-DNA position 7793, G replaced by A.
Protein change: p.Arg2598His; replaces arginine 2598 with histidine.
Molecular consequence: missense variant.
Genome position (GRCh38, 1-based): chr6:32,058,090, C>T on the plus strand (G>A on the coding strand, the complement: TNXB is on the minus strand). VCF-style: chr6-32058090-C-T. GRCh37 (hg19) VCF-style: chr6-32025867-C-T.
Other names: c.7793G>A, p.Arg2598His (NM_019105.8); short protein forms R2598H.
Identifiers: ClinVar variation 1310269 (VCV001310269.4), dbSNP rs771647661, ClinGen allele CA3734053.
Genomic context (GRCh38, chr6:32,058,090, plus strand): 5'-CAACCCTGCCCCACCCACACTCACTCACCTGTGACGCCCACGGCAGACACCGGGCCCAGG[C>T]GCCGCCCCTCGTGGAGGCCGTACAGGTGCATCTTGTACTTGCGCCCAGGCTCCAGGCCCC-3'
Protein context (NP_001352205.1, residues 2588-2608): MHLYGLHEGR[Arg2598His]LGPVSAVGVT

ClinVar aggregate classification (germline): Uncertain significance. Review status: criteria provided, multiple submitters, no conflicts (2 of 4 stars). 2 submissions from 2 submitters: Uncertain significance (2). Last evaluated 2023-07-01.

Conditions:
Cardiovascular phenotype. Identifiers: MedGen CN230736.

Allele frequency attached by ClinVar (database versions not stated): TOPMed 0.00002; gnomAD 0.00003; ExAC 0.00004; gnomAD exomes 0.00004.
gnomAD v4.1: 50 of 1,611,432 alleles (0.0031%); highest among the groups gnomAD compares: Middle Eastern, 0.033%; no homozygotes.

Submissions (2):

Ambry Genetics
Classification: Uncertain significance for Cardiovascular phenotype. Last evaluated: 2023-07-01. Review status: criteria provided, single submitter. Criteria: Ambry Variant Classification Scheme 2023. Collection method: clinical testing. Allele origin: germline.
Comment: The p.R2598H variant (also known as c.7793G>A), located in coding exon 21 of the TNXB gene, results from a G to A substitution at nucleotide position 7793. The arginine at codon 2598 is replaced by histidine, an amino acid with highly similar properties. This amino acid position is conserved. In addition, this alteration is predicted to be tolerated by in silico analysis. Since supporting evidence is limited at this time, the clinical significance of this alteration remains unclear.

GeneDx
Classification: Uncertain significance. Last evaluated: 2019-09-03. Review status: criteria provided, single submitter. Criteria: GeneDx Variant Classification Process June 2021. Collection method: clinical testing. Allele origin: germline. Affected: yes.
Comment: Has not been previously published as pathogenic or benign to our knowledge; In silico analysis, which includes protein predictors and evolutionary conservation, supports a deleterious effect